The following is an entry in ClinVar:

NM_020937.4(FANCM):c.3104C>T (p.Thr1035Ile)

Gene: FANCM (FA complementation group M; plus strand). Cytogenetic location: 14q21.2.
Variant type: single nucleotide variant.
Coding change: c.3104C>T on transcript NM_020937.4 (MANE Select); coding-DNA position 3104, C replaced by T.
Protein change: p.Thr1035Ile; replaces threonine 1035 with isoleucine.
Molecular consequence: missense variant.
Genome position (GRCh38, 1-based): chr14:45,175,858, C>T. VCF-style: chr14-45175858-C-T. GRCh37 (hg19) VCF-style: chr14-45645061-C-T.
Other names: c.3026C>T, p.Thr1009Ile (NM_001308133.2); short protein forms T1009I, T1035I.
Identifiers: ClinVar variation 3848505 (VCV003848505.1).

ClinVar aggregate classification (germline): Uncertain significance (1 of 4 stars; one submission).

Conditions:
Inborn genetic diseases. Identifiers: MedGen C0950123, MeSH D030342.

gnomAD v4.1: 1 of 1,613,832 alleles (0.000062%); highest among the groups gnomAD compares: Non-Finnish European, 0.000085%; no homozygotes.

Submission:

Ambry Genetics
Classification: Uncertain significance for Inborn genetic diseases. Last evaluated: 2024-12-16. Review status: criteria provided, single submitter. Criteria: Ambry Variant Classification Scheme 2023. Collection method: clinical testing. Allele origin: germline.
Comment: The p.T1035I variant (also known as c.3104C>T), located in coding exon 14 of the FANCM gene, results from a C to T substitution at nucleotide position 3104. The threonine at codon 1035 is replaced by isoleucine, an amino acid with similar properties. This amino acid position is conserved. In addition, this alteration is predicted to be tolerated by in silico analysis. Based on the available evidence, the clinical significance of this variant remains unclear.